The following is an entry in ClinVar:

ClinVar aggregate classification (germline): Uncertain significance (1 of 4 stars; one submission).

Allele frequency attached by ClinVar (database versions not stated): ExAC 0.00001; gnomAD exomes 0.00001; gnomAD 0.00002; TOPMed 0.00002; ESP Exome Variant Server 0.00008.
gnomAD v4.1: 15 of 1,609,942 alleles (0.00093%); highest among the groups gnomAD compares: Non-Finnish European, 0.0011%; no homozygotes.

Submission:

Labcorp Genetics (formerly Invitae), Labcorp
Classification: Uncertain significance. Last evaluated: 2025-11-20. Review status: criteria provided, single submitter. Criteria: Invitae Variant Classification Sherloc (09022015). Collection method: clinical testing. Allele origin: germline.
Comment: This sequence change replaces leucine, which is neutral and non-polar, with proline, which is neutral and non-polar, at codon 34 of the GHSR protein (p.Leu34Pro). This variant is present in population databases (rs150293762, gnomAD 0.005%). This variant has not been reported in the literature in individuals affected with GHSR-related conditions. ClinVar contains an entry for this variant (Variation ID: 2717298). Invitae Evidence Modeling of protein sequence and biophysical properties (such as structural, functional, and spatial information, amino acid conservation, physicochemical variation, residue mobility, and thermodynamic stability) indicates that this missense variant is not expected to disrupt GHSR protein function with a negative predictive value of 80%. In summary, the available evidence is currently insufficient to determine the role of this variant in disease. Therefore, it has been classified as a Variant of Uncertain Significance.

NM_198407.2(GHSR):c.101T>C (p.Leu34Pro)

Gene: GHSR (growth hormone secretagogue receptor; minus strand). Cytogenetic location: 3q26.31.
Variant type: single nucleotide variant.
Coding change: c.101T>C on transcript NM_198407.2 (MANE Select); coding-DNA position 101, T replaced by C.
Protein change: p.Leu34Pro; replaces leucine 34 with proline.
Molecular consequence: missense variant.
Genome position (GRCh38, 1-based): chr3:172,448,313, A>G on the plus strand (T>C on the coding strand, the complement: GHSR is on the minus strand). VCF-style: chr3-172448313-A-G. GRCh37 (hg19) VCF-style: chr3-172166103-A-G.
Other names: c.101T>C, p.Leu34Pro (NM_004122.2); short protein forms L34P.
Identifiers: ClinVar variation 2717298 (VCV002717298.3), dbSNP rs150293762, ClinGen allele CA2706536.
Genomic context (GRCh38, chr3:172,448,313, plus strand): 5'-AAGAGTGCCACGCAGGTGGCTGTGACGCCCGCCAGCAGCGGCGCGGGGAAGAGCTGCAGC[A>G]GCTCGTCGCCCAGCGAGTCGTTGCCGGGGGAAGCATCCCAGTCCAGGTCGGCCAGTGTGA-3'
Protein context (NP_940799.1, residues 24-44): SPGNDSLGDE[Leu34Pro]LQLFPAPLLA